The following is an entry in ClinVar:

ClinVar aggregate classification (germline): Uncertain significance (1 of 4 stars; one submission).

Allele frequency attached by ClinVar (database versions not stated): gnomAD exomes 0.00001.
gnomAD v4.1: 8 of 1,614,070 alleles (0.0005%); highest among the groups gnomAD compares: Non-Finnish European, 0.00068%; no homozygotes.

Submission:

Labcorp Genetics (formerly Invitae), Labcorp
Classification: Uncertain significance. Last evaluated: 2023-12-31. Review status: criteria provided, single submitter. Criteria: Invitae Variant Classification Sherloc (09022015). Collection method: clinical testing. Allele origin: germline.
Comment: This sequence change replaces threonine, which is neutral and polar, with alanine, which is neutral and non-polar, at codon 1959 of the PRPF8 protein (p.Thr1959Ala). This variant is not present in population databases (gnomAD no frequency). This variant has not been reported in the literature in individuals affected with PRPF8-related conditions. Advanced modeling of protein sequence and biophysical properties (such as structural, functional, and spatial information, amino acid conservation, physicochemical variation, residue mobility, and thermodynamic stability) performed at Invitae indicates that this missense variant is not expected to disrupt PRPF8 protein function with a negative predictive value of 80%. In summary, the available evidence is currently insufficient to determine the role of this variant in disease. Therefore, it has been classified as a Variant of Uncertain Significance.

NM_006445.4(PRPF8):c.5875A>G (p.Thr1959Ala)

Gene: PRPF8 (pre-mRNA processing factor 8; minus strand). Cytogenetic location: 17p13.3.
Variant type: single nucleotide variant.
Coding change: c.5875A>G on transcript NM_006445.4 (MANE Select); coding-DNA position 5875, A replaced by G.
Protein change: p.Thr1959Ala; replaces threonine 1959 with alanine.
Molecular consequence: missense variant.
Genome position (GRCh38, 1-based): chr17:1,655,462, T>C on the plus strand (A>G on the coding strand, the complement: PRPF8 is on the minus strand). VCF-style: chr17-1655462-T-C. GRCh37 (hg19) VCF-style: chr17-1558756-T-C.
Other names: short protein forms T1959A.
Identifiers: ClinVar variation 2706736 (VCV002706736.3), dbSNP rs2543721215, ClinGen allele CA397569514.
Genomic context (GRCh38, chr17:1,655,462, plus strand): 5'-CCTTGATCCATTCTTCGTCAGTCAGAGTGGGCCAGATGTGGTGTGGTTCTGTAATAGTAG[T>C]CTTGTCTGGCTTCAGGATCACTTTTGCCCGATCGTTGTTCACATGTAGGGCACGCAGAAT-3'
Protein context (NP_006436.3, residues 1949-1969): RAKVILKPDK[Thr1959Ala]TITEPHHIWP